The following is an entry in ClinVar:

ClinVar aggregate classification (germline): Conflicting classifications of pathogenicity. Review status: criteria provided, conflicting classifications (1 of 4 stars). 2 submissions from 2 submitters: Uncertain significance (1); Likely benign (1). Last evaluated 2024-06-20.

Conditions:
Familial cancer of breast. Also called: BREAST CANCER, FAMILIAL; Hereditary breast cancer; hereditary breast carcinoma. Identifiers: Orphanet 227535, MedGen C0346153, MONDO:0016419, OMIM 114480. Disease mechanism: loss of function.
Fanconi anemia complementation group J. Also called: BRIP1-Related Fanconi Anemia. Identifiers: Orphanet 84, MedGen C1836860, MONDO:0012187, OMIM 609054.
Hereditary cancer-predisposing syndrome. Also called: Hereditary Cancer Syndrome; Neoplastic Syndromes, Hereditary; Tumor predisposition; Hereditary neoplastic syndrome. Identifiers: Orphanet 140162, MedGen C0027672, MeSH D009386, MONDO:0015356.

gnomAD v4.1: 1 of 1,613,596 alleles (0.000062%); highest among the groups gnomAD compares: Non-Finnish European, 0.000085%; no homozygotes.

Submissions (2):

Ambry Genetics
Classification: Likely benign for Hereditary cancer-predisposing syndrome. Last evaluated: 2024-06-20. Review status: criteria provided, single submitter. Criteria: Ambry Variant Classification Scheme 2023. Collection method: clinical testing. Allele origin: germline.

Labcorp Genetics (formerly Invitae), Labcorp
Classification: Uncertain significance for Familial cancer of breast; Fanconi anemia complementation group J. Last evaluated: 2023-12-11. Review status: criteria provided, single submitter. Criteria: Invitae Variant Classification Sherloc (09022015). Collection method: clinical testing. Allele origin: germline.
Comment: This sequence change replaces aspartic acid, which is acidic and polar, with asparagine, which is neutral and polar, at codon 184 of the BRIP1 protein (p.Asp184Asn). This variant is not present in population databases (gnomAD no frequency). This variant has not been reported in the literature in individuals affected with BRIP1-related conditions. ClinVar contains an entry for this variant (Variation ID: 186795). Advanced modeling of protein sequence and biophysical properties (such as structural, functional, and spatial information, amino acid conservation, physicochemical variation, residue mobility, and thermodynamic stability) performed at Invitae indicates that this missense variant is not expected to disrupt BRIP1 protein function with a negative predictive value of 80%. In summary, the available evidence is currently insufficient to determine the role of this variant in disease. Therefore, it has been classified as a Variant of Uncertain Significance.

NM_032043.3(BRIP1):c.550G>A (p.Asp184Asn)

Gene: BRIP1 (BRCA1 interacting DNA helicase 1; minus strand). Cytogenetic location: 17q23.2.
Variant type: single nucleotide variant.
Coding change: c.550G>A on transcript NM_032043.3 (MANE Select); coding-DNA position 550, G replaced by A.
Protein change: p.Asp184Asn; replaces aspartic acid 184 with asparagine.
Molecular consequence: missense variant.
Genome position (GRCh38, 1-based): chr17:61,847,178, C>T on the plus strand (G>A on the coding strand, the complement: BRIP1 is on the minus strand). VCF-style: chr17-61847178-C-T. GRCh37 (hg19) VCF-style: chr17-59924539-C-T.
Other names: short protein forms D184N.
Identifiers: ClinVar variation 186795 (VCV000186795.15), dbSNP rs201047375, ClinGen allele CA195893.
Genomic context (GRCh38, chr17:61,847,178, plus strand): 5'-AGTTTATCTTTTCCAGTGGAGAGTTGAGTTTTACAGTCTTTCCTGAATCAACTTTTGCAT[C>T]CAAATTGTGTACTTCTGTTCCAAAGCAATGACGTTTTCTAATCTGTAAACACAGAACCAA-3'
Protein context (NP_114432.2, residues 174-194): HCFGTEVHNL[Asp184Asn]AKVDSGKTVK